The following is an entry in ClinVar:

ClinVar aggregate classification (germline): Uncertain significance (1 of 4 stars; one submission).

Conditions:
Congenital muscular hypertrophy-cerebral syndrome (CDLS2). Also called: SMC1A-Related Cornelia de Lange Syndrome; Cornelia de Lange syndrome 2. Identifiers: Orphanet 199, MedGen C1802395, MONDO:0010370, OMIM 300590.

Submission:

Labcorp Genetics (formerly Invitae), Labcorp
Classification: Uncertain significance for Congenital muscular hypertrophy-cerebral syndrome. Last evaluated: 2022-11-01. Review status: criteria provided, single submitter. Criteria: Invitae Variant Classification Sherloc (09022015). Collection method: clinical testing. Allele origin: germline.
Comment: This variant has not been reported in the literature in individuals affected with SMC1A-related conditions. This sequence change falls in intron 15 of the SMC1A gene. It does not directly change the encoded amino acid sequence of the SMC1A protein. It affects a nucleotide within the consensus splice site. This variant is not present in population databases (gnomAD no frequency). ClinVar contains an entry for this variant (Variation ID: 569160). Variants that disrupt the consensus splice site are a relatively common cause of aberrant splicing (PMID: 17576681, 9536098). Algorithms developed to predict the effect of sequence changes on RNA splicing suggest that this variant may disrupt the consensus splice site. In summary, the available evidence is currently insufficient to determine the role of this variant in disease. Therefore, it has been classified as a Variant of Uncertain Significance.

Literature cited by the submitters: PubMed 17576681; PubMed 9536098.

NM_006306.4(SMC1A):c.2420+5G>A

Gene: SMC1A (structural maintenance of chromosomes 1A; minus strand). Cytogenetic location: Xp11.22.
Variant type: single nucleotide variant.
Coding change: c.2420+5G>A on transcript NM_006306.4 (MANE Select); 5 bases into the intron after coding-DNA position 2420, G replaced by A.
Molecular consequence: intron variant.
Genome position (GRCh38, 1-based): chrX:53,403,561, C>T on the plus strand (G>A on the coding strand, the complement: SMC1A is on the minus strand). VCF-style: chrX-53403561-C-T. GRCh37 (hg19) VCF-style: chrX-53430493-C-T.
Other names: c.2354+5G>A (NM_001281463.1).
Identifiers: ClinVar variation 569160 (VCV000569160.6), dbSNP rs1556889217, ClinGen allele CA641896197.